The following is an entry in ClinVar:

ClinVar aggregate classification (germline): Uncertain significance (1 of 4 stars; one submission).

Allele frequency attached by ClinVar (database versions not stated): gnomAD exomes 0.00001; gnomAD 0.00002; TOPMed 0.00002.
gnomAD v4.1: 12 of 1,614,072 alleles (0.00074%); highest among the groups gnomAD compares: Admixed American, 0.005%; no homozygotes.

Submission:

Labcorp Genetics (formerly Invitae), Labcorp
Classification: Uncertain significance. Last evaluated: 2022-08-09. Review status: criteria provided, single submitter. Criteria: Invitae Variant Classification Sherloc (09022015). Collection method: clinical testing. Allele origin: germline.
Comment: This sequence change replaces proline, which is neutral and non-polar, with serine, which is neutral and polar, at codon 270 of the EIF2B2 protein (p.Pro270Ser). This variant is present in population databases (no rsID available, gnomAD 0.009%). This variant has not been reported in the literature in individuals affected with EIF2B2-related conditions. Algorithms developed to predict the effect of missense changes on protein structure and function (SIFT, PolyPhen-2, Align-GVGD) all suggest that this variant is likely to be tolerated. In summary, the available evidence is currently insufficient to determine the role of this variant in disease. Therefore, it has been classified as a Variant of Uncertain Significance.

NM_014239.4(EIF2B2):c.808C>T (p.Pro270Ser)

Gene: EIF2B2 (eukaryotic translation initiation factor 2B subunit beta; plus strand). Cytogenetic location: 14q24.3.
Variant type: single nucleotide variant.
Coding change: c.808C>T on transcript NM_014239.4 (MANE Select); coding-DNA position 808, C replaced by T.
Protein change: p.Pro270Ser; replaces proline 270 with serine.
Molecular consequence: missense variant.
Genome position (GRCh38, 1-based): chr14:75,006,691, C>T. VCF-style: chr14-75006691-C-T. GRCh37 (hg19) VCF-style: chr14-75473394-C-T.
Other names: short protein forms P270S.
Identifiers: ClinVar variation 1921076 (VCV001921076.2), dbSNP rs1221192923, ClinGen allele CA390429019.